The following is an entry in ClinVar:

NM_018713.3(SLC30A10):c.565T>G (p.Ser189Ala)

Gene: SLC30A10 (solute carrier family 30 member 10; minus strand). Cytogenetic location: 1q41.
Variant type: single nucleotide variant.
Coding change: c.565T>G on transcript NM_018713.3 (MANE Select); coding-DNA position 565, T replaced by G.
Protein change: p.Ser189Ala; replaces serine 189 with alanine.
Molecular consequence: missense variant. On other transcripts: 5 prime UTR variant (1), intron variant (1).
Genome position (GRCh38, 1-based): chr1:219,927,876, A>C on the plus strand (T>G on the coding strand, the complement: SLC30A10 is on the minus strand). VCF-style: chr1-219927876-A-C. GRCh37 (hg19) VCF-style: chr1-220101218-A-C.
Other names: c.-149T>G (NM_001416005.1); c.452-771T>G (NM_001376929.1); short protein forms S189A.
Identifiers: ClinVar variation 3625281 (VCV003625281.3).

ClinVar aggregate classification (germline): Uncertain significance. Review status: criteria provided, multiple submitters, no conflicts (2 of 4 stars). 2 submissions from 2 submitters: Uncertain significance (2). Last evaluated 2024-10-29.

gnomAD v4.1: 9 of 1,543,154 alleles (0.00058%); highest among the groups gnomAD compares: Non-Finnish European, 0.00079%; no homozygotes.

Submissions (2):

Blueprint Genetics
Classification: Uncertain significance. Last evaluated: 2024-10-29. Review status: criteria provided, single submitter. Criteria: ACMG Guidelines, 2015. Collection method: clinical testing. Allele origin: germline.

Labcorp Genetics (formerly Invitae), Labcorp
Classification: Uncertain significance. Last evaluated: 2024-10-22. Review status: criteria provided, single submitter. Criteria: Invitae Variant Classification Sherloc (09022015). Collection method: clinical testing. Allele origin: germline.
Comment: This sequence change replaces serine, which is neutral and polar, with alanine, which is neutral and non-polar, at codon 189 of the SLC30A10 protein (p.Ser189Ala). This variant is present in population databases (no rsID available, gnomAD 0.004%). This variant has not been reported in the literature in individuals affected with SLC30A10-related conditions. An algorithm developed to predict the effect of missense changes on protein structure and function outputs the following: PolyPhen-2: "Benign". The alanine amino acid residue is found in multiple mammalian species, which suggests that this missense change does not adversely affect protein function. In summary, the available evidence is currently insufficient to determine the role of this variant in disease. Therefore, it has been classified as a Variant of Uncertain Significance.